The following is an entry in ClinVar:

NM_017654.4(SAMD9):c.445T>C (p.Tyr149His)

Gene: SAMD9 (sterile alpha motif domain containing 9; minus strand). Cytogenetic location: 7q21.2.
Variant type: single nucleotide variant.
Coding change: c.445T>C on transcript NM_017654.4 (MANE Select); coding-DNA position 445, T replaced by C.
Protein change: p.Tyr149His; replaces tyrosine 149 with histidine.
Molecular consequence: missense variant.
Genome position (GRCh38, 1-based): chr7:93,105,653, A>G on the plus strand (T>C on the coding strand, the complement: SAMD9 is on the minus strand). VCF-style: chr7-93105653-A-G. GRCh37 (hg19) VCF-style: chr7-92734966-A-G.
Other names: c.445T>C, p.Tyr149His (NM_001193307.2); short protein forms Y149H.
Identifiers: ClinVar variation 4827031 (VCV004827031.1).

ClinVar aggregate classification (germline): Uncertain significance (1 of 4 stars; one submission).

Conditions:
Inborn genetic diseases. Identifiers: MedGen C0950123, MeSH D030342.

Submission:

Ambry Genetics
Classification: Uncertain significance for Inborn genetic diseases. Last evaluated: 2026-03-14. Review status: criteria provided, single submitter. Criteria: Ambry Variant Classification Scheme 2023. Collection method: clinical testing. Allele origin: germline.
Comment: The p.Y149H variant (also known as c.445T>C), located in coding exon 1 of the SAMD9 gene, results from a T to C substitution at nucleotide position 445. The tyrosine at codon 149 is replaced by histidine, an amino acid with similar properties. This amino acid position is conserved. In addition, this alteration is predicted to be tolerated by in silico analysis. Based on the available evidence, the clinical significance of this variant remains unclear.